The following is an entry in ClinVar:

ClinVar aggregate classification (germline): Pathogenic (1 of 4 stars; one submission).

Conditions:
Aortic valve disease 2 (AOVD2). Identifiers: MedGen C3542024, MONDO:0013902, OMIM 614823.

Submission:

Labcorp Genetics (formerly Invitae), Labcorp
Classification: Pathogenic for Aortic valve disease 2. Last evaluated: 2018-08-07. Review status: criteria provided, single submitter. Criteria: Invitae Variant Classification Sherloc (09022015). Collection method: clinical testing. Allele origin: germline.
Comment: This variant is an out-of-frame deletion of the genomic region encompassing exon 3 of the TBX5 gene. This is expected to create a premature translational stop signal and result in an absent or disrupted protein product. This variant has not been reported in the literature in individuals with TBX5-related disease. Loss-of-function variants in TBX5 are known to be pathogenic (PMID: 16183809, 16917909). For these reasons, this variant has been classified as Pathogenic.

NC_000012.12:g.(?_114401806)_(114401940_?)del

Gene: TBX5 (T-box transcription factor 5; minus strand). Cytogenetic location: 12q24.21.
Variant type: Deletion.
Identifiers: ClinVar variation 652398 (VCV000652398.1).